The following is an entry in ClinVar:

NM_006118.4(HAX1):c.773C>G (p.Pro258Arg)

Gene: HAX1 (HCLS1 associated protein X-1; plus strand). Cytogenetic location: 1q21.3.
Variant type: single nucleotide variant.
Coding change: c.773C>G on transcript NM_006118.4 (MANE Select); coding-DNA position 773, C replaced by G.
Protein change: p.Pro258Arg; replaces proline 258 with arginine.
Molecular consequence: missense variant.
Genome position (GRCh38, 1-based): chr1:154,275,634, C>G. VCF-style: chr1-154275634-C-G. GRCh37 (hg19) VCF-style: chr1-154248110-C-G.
Other names: c.629C>G, p.Pro210Arg (NM_001018837.2); short protein forms P258R, P210R.
Identifiers: ClinVar variation 3856871 (VCV003856871.1).

ClinVar aggregate classification (germline): Uncertain significance (1 of 4 stars; one submission).

Conditions:
Inborn genetic diseases. Identifiers: MedGen C0950123, MeSH D030342.

Submission:

Ambry Genetics
Classification: Uncertain significance for Inborn genetic diseases. Last evaluated: 2025-01-11. Review status: criteria provided, single submitter. Criteria: Ambry Variant Classification Scheme 2023. Collection method: clinical testing. Allele origin: germline.
Comment: The p.P258R variant (also known as c.773C>G), located in coding exon 7 of the HAX1 gene, results from a C to G substitution at nucleotide position 773. The proline at codon 258 is replaced by arginine, an amino acid with dissimilar properties. This amino acid position is conserved. In addition, this alteration is predicted to be tolerated by in silico analysis. Based on the available evidence, the clinical significance of this variant remains unclear.